The following is an entry in ClinVar:

ClinVar aggregate classification (germline): Uncertain significance (1 of 4 stars; one submission).

Conditions:
Charcot-Marie-Tooth disease type 4. Also called: Charcot-Marie-Tooth disease, type IV; Charcot-Marie-Tooth, Type 4. Identifiers: Orphanet 64749, MedGen C4082197, MONDO:0018995.

Allele frequency attached by ClinVar (database versions not stated): TOPMed below 0.00001; gnomAD exomes 0.00001.
gnomAD v4.1: 13 of 1,614,180 alleles (0.00081%); highest among the groups gnomAD compares: Non-Finnish European, 0.00093%; no homozygotes.

Submission:

Labcorp Genetics (formerly Invitae), Labcorp
Classification: Uncertain significance for Charcot-Marie-Tooth disease type 4. Last evaluated: 2021-09-01. Review status: criteria provided, single submitter. Criteria: Invitae Variant Classification Sherloc (09022015). Collection method: clinical testing. Allele origin: germline.
Comment: This sequence change replaces asparagine with serine at codon 1301 of the SBF2 protein (p.Asn1301Ser). The asparagine residue is weakly conserved and there is a small physicochemical difference between asparagine and serine. This variant is not present in population databases (ExAC no frequency). This variant has not been reported in the literature in individuals affected with SBF2-related conditions. Algorithms developed to predict the effect of missense changes on protein structure and function (SIFT, PolyPhen-2, Align-GVGD) all suggest that this variant is likely to be tolerated. Algorithms developed to predict the effect of sequence changes on RNA splicing suggest that this variant may create or strengthen a splice site. In summary, the available evidence is currently insufficient to determine the role of this variant in disease. Therefore, it has been classified as a Variant of Uncertain Significance.

NM_030962.4(SBF2):c.3902A>G (p.Asn1301Ser)

Gene: SBF2 (SET binding factor 2; minus strand). Cytogenetic location: 11p15.4.
Variant type: single nucleotide variant.
Coding change: c.3902A>G on transcript NM_030962.4 (MANE Select); coding-DNA position 3902, A replaced by G.
Protein change: p.Asn1301Ser; replaces asparagine 1301 with serine.
Molecular consequence: missense variant.
Genome position (GRCh38, 1-based): chr11:9,816,916, T>C on the plus strand (A>G on the coding strand, the complement: SBF2 is on the minus strand). VCF-style: chr11-9816916-T-C. GRCh37 (hg19) VCF-style: chr11-9838463-T-C.
Other names: c.3998A>G, p.Asn1333Ser (NM_001386339.1); c.3773A>G, p.Asn1258Ser (NM_001386342.1); short protein forms N1301S, N1258S, N1333S.
Identifiers: ClinVar variation 859551 (VCV000859551.7), dbSNP rs1429630644, ClinGen allele CA379644520.